The following is an entry in ClinVar:

NM_001199753.2(CPT1C):c.134G>A (p.Arg45His)

Gene: CPT1C (carnitine palmitoyltransferase 1C; plus strand). Cytogenetic location: 19q13.33.
Variant type: single nucleotide variant.
Coding change: c.134G>A on transcript NM_001199753.2 (MANE Select); coding-DNA position 134, G replaced by A.
Protein change: p.Arg45His; replaces arginine 45 with histidine.
Molecular consequence: missense variant. On other transcripts: non-coding transcript variant (1).
Genome position (GRCh38, 1-based): chr19:49,692,386, G>A. VCF-style: chr19-49692386-G-A. GRCh37 (hg19) VCF-style: chr19-50195643-G-A.
Other names: c.134G>A, p.Arg45His (NM_001136052.3, NM_001199752.3, NM_001378482.1 and 7 more transcripts); short protein forms R45H.
Identifiers: ClinVar variation 3711833 (VCV003711833.2).

ClinVar aggregate classification (germline): Uncertain significance (1 of 4 stars; one submission).

Conditions:
Hereditary spastic paraplegia 73. Also called: Spastic paraplegia 73, autosomal dominant. Identifiers: Orphanet 444099, MedGen C5568981, MONDO:0014568, OMIM 616282.

gnomAD v4.1: 10 of 1,614,126 alleles (0.00062%); highest among the groups gnomAD compares: Non-Finnish European, 0.00085%; no homozygotes.

Submission:

Labcorp Genetics (formerly Invitae), Labcorp
Classification: Uncertain significance for Hereditary spastic paraplegia 73. Last evaluated: 2024-12-25. Review status: criteria provided, single submitter. Criteria: Invitae Variant Classification Sherloc (09022015). Collection method: clinical testing. Allele origin: germline.
Comment: This sequence change replaces arginine, which is basic and polar, with histidine, which is basic and polar, at codon 45 of the CPT1C protein (p.Arg45His). This variant is not present in population databases (gnomAD no frequency). This variant has not been reported in the literature in individuals affected with CPT1C-related conditions. An algorithm developed to predict the effect of missense changes on protein structure and function (PolyPhen-2) suggests that this variant is likely to be disruptive. In summary, the available evidence is currently insufficient to determine the role of this variant in disease. Therefore, it has been classified as a Variant of Uncertain Significance.